The following is an entry in ClinVar:

NM_005357.4(LIPE):c.1210C>T (p.Arg404Cys)

Genes: LIPE (lipase E, hormone sensitive type; minus strand), LIPE-AS1 (LIPE antisense RNA 1; plus strand). Cytogenetic location: 19q13.2.
Variant type: single nucleotide variant.
Coding change: c.1210C>T on transcript NM_005357.4 (MANE Select); coding-DNA position 1210, C replaced by T.
Protein change: p.Arg404Cys; replaces arginine 404 with cysteine.
Molecular consequence: missense variant.
Genome position (GRCh38, 1-based): chr19:42,410,516, G>A on the plus strand (C>T on the coding strand, the complement: LIPE is on the minus strand). VCF-style: chr19-42410516-G-A. GRCh37 (hg19) VCF-style: chr19-42914668-G-A.
Other names: short protein forms R404C.
Identifiers: ClinVar variation 712337 (VCV000712337.29), dbSNP rs138983180, ClinGen allele CA9477114.

ClinVar aggregate classification (germline): Benign/Likely benign. Review status: criteria provided, multiple submitters, no conflicts (2 of 4 stars). 5 submissions from 5 submitters: Benign (1); Likely benign (3). 1 of the submissions does not count toward it. Last evaluated 2026-02-01.

Conditions:
LIPE-related disorder. Also called: LIPE-related condition.

Allele frequency attached by ClinVar (database versions not stated): 1000 Genomes Project 0.00060; 1000 Genomes Project 30x 0.00062; TOPMed 0.00314; gnomAD 0.00363 and 0.00375; ExAC 0.00364; gnomAD exomes 0.00364 and 0.00483; ESP Exome Variant Server 0.00438.

Submissions (5):

CeGaT Center for Human Genetics Tuebingen
Classification: Likely benign. Last evaluated: 2026-02-01. Review status: criteria provided, single submitter. Criteria: CeGaT Center For Human Genetics Tuebingen Variant Classification Criteria Version 2. Collection method: clinical testing. Allele origin: germline. Affected: yes. Observed: 5 variant alleles.
Comment: LIPE: BS2

Labcorp Genetics (formerly Invitae), Labcorp
Classification: Benign. Last evaluated: 2019-12-31. Review status: criteria provided, single submitter. Criteria: Invitae Variant Classification Sherloc (09022015). Collection method: clinical testing. Allele origin: germline.

Genetic Services Laboratory, University of Chicago
Classification: Likely benign. Last evaluated: 2019-04-03. Review status: criteria provided, single submitter. Criteria: ACMG Guidelines, 2015. Collection method: clinical testing. Allele origin: germline. Affected: no.

Breakthrough Genomics
Classification: Likely benign. Review status: criteria provided, single submitter. Criteria: ACMG Guidelines, 2015. Collection method: not provided. Allele origin: germline. Inheritance: Autosomal recessive inheritance. Affected: yes.

PreventionGenetics, part of Exact Sciences
Classification: Likely benign for LIPE-related condition. Last evaluated: 2019-07-10. Review status: no assertion criteria provided. Collection method: clinical testing. Allele origin: germline. Not counted in ClinVar's aggregate classification.
Comment: This variant is classified as likely benign based on ACMG/AMP sequence variant interpretation guidelines (Richards et al. 2015 PMID: 25741868, with internal and published modifications).